The following is an entry in ClinVar:

ClinVar aggregate classification (germline): Uncertain significance (1 of 4 stars; one submission).

gnomAD v4.1: 10 of 1,613,956 alleles (0.00062%); highest among the groups gnomAD compares: Non-Finnish European, 0.00085%; no homozygotes.

Submission:

Labcorp Genetics (formerly Invitae), Labcorp
Classification: Uncertain significance. Last evaluated: 2022-07-15. Review status: criteria provided, single submitter. Criteria: Invitae Variant Classification Sherloc (09022015). Collection method: clinical testing. Allele origin: germline.
Comment: In summary, the available evidence is currently insufficient to determine the role of this variant in disease. Therefore, it has been classified as a Variant of Uncertain Significance. Algorithms developed to predict the effect of missense changes on protein structure and function (SIFT, PolyPhen-2, Align-GVGD) all suggest that this variant is likely to be disruptive. This variant has not been reported in the literature in individuals affected with NIN-related conditions. This variant is present in population databases (no rsID available, gnomAD 0.007%). This sequence change replaces leucine, which is neutral and non-polar, with valine, which is neutral and non-polar, at codon 1067 of the NIN protein (p.Leu1067Val).

NM_020921.4(NIN):c.3199C>G (p.Leu1067Val)

Gene: NIN (ninein; minus strand). Cytogenetic location: 14q22.1.
Variant type: single nucleotide variant.
Coding change: c.3199C>G on transcript NM_020921.4 (MANE Select); coding-DNA position 3199, C replaced by G.
Protein change: p.Leu1067Val; replaces leucine 1067 with valine.
Molecular consequence: missense variant. On other transcripts: intron variant (1).
Genome position (GRCh38, 1-based): chr14:50,757,831, G>C on the plus strand (C>G on the coding strand, the complement: NIN is on the minus strand). VCF-style: chr14-50757831-G-C. GRCh37 (hg19) VCF-style: chr14-51224549-G-C.
Other names: c.3199C>G, p.Leu1067Val (NM_182944.3, NM_182946.2); c.2399+2026C>G (NM_016350.5); short protein forms L1067V.
Identifiers: ClinVar variation 2017410 (VCV002017410.4), dbSNP rs998733256, ClinGen allele CA260828982.
Genomic context (GRCh38, chr14:50,757,831, plus strand): 5'-CAGTAGCCATTTTCACATTTTCCTTCACTGCCTGTTCATGAGCTCTCTGCAGGCTTAAGA[G>C]GACGTCCCCATTTTCTTCCAACAGCTGCTCCCCTTGCTGAAGCAGGGACAGGGCTCCATC-3'
Protein context (NP_065972.4, residues 1057-1077): EQLLEENGDV[Leu1067Val]LSLQRAHEQA